The following is an entry in ClinVar:

NM_000049.4(ASPA):c.100T>C (p.Trp34Arg)

Genes: ASPA (aspartoacylase; plus strand), SPATA22 (spermatogenesis associated 22; minus strand). Cytogenetic location: 17p13.2.
Variant type: single nucleotide variant.
Coding change: c.100T>C on transcript NM_000049.4 (MANE Select); coding-DNA position 100, T replaced by C.
Protein change: p.Trp34Arg; replaces tryptophan 34 with arginine.
Molecular consequence: missense variant. On other transcripts: intron variant (2).
Genome position (GRCh38, 1-based): chr17:3,476,259, T>C. VCF-style: chr17-3476259-T-C. GRCh37 (hg19) VCF-style: chr17-3379553-T-C.
Other names: c.100T>C, p.Trp34Arg (NM_001128085.1); c.-73-6861A>G (NM_001321336.2, NM_001321337.2); short protein forms W34R.
Identifiers: ClinVar variation 3775694 (VCV003775694.1).

ClinVar aggregate classification (germline): Uncertain significance (1 of 4 stars; one submission).

Conditions:
Spongy degeneration of central nervous system. Also called: ACY2 DEFICIENCY; AMINOACYLASE 2 DEFICIENCY; ASP DEFICIENCY; ASPA DEFICIENCY; ASPARTOACYLASE DEFICIENCY; CANAVAN-VAN BOGAERT-BERTRAND DISEASE. Identifiers: Orphanet 141, MedGen C0206307, MONDO:0010079, OMIM 271900.

Submission:

3billion
Classification: Uncertain significance for Spongy degeneration of central nervous system. Last evaluated: 2024-01-19. Review status: criteria provided, single submitter. Criteria: ACMG Guidelines, 2015. Collection method: clinical testing. Allele origin: germline. Affected: yes.
Comment: The variant is not observed in the gnomAD v2.1.1 dataset. Predicted Consequence/Location: Missense variant In silico tool predictions suggest damaging effect of the variant on gene or gene product [REVEL: 0.98 (>=0.6, sensitivity 0.68 and specificity 0.92)]. Therefore, this variant is classified as VUS according to the recommendation of ACMG/AMP guideline.